The following is an entry in ClinVar:

NM_004656.4(BAP1):c.359dup (p.Ser123fs)

Gene: BAP1 (BRCA1 associated deubiquitinase 1; minus strand). Cytogenetic location: 3p21.1.
Variant type: Duplication.
Coding change: c.359dup on transcript NM_004656.4 (MANE Select); coding-DNA position 359, one base duplicated (A; older notation c.359dupA).
Protein change: p.Ser123fs; shifts the reading frame from serine 123.
Molecular consequence: frameshift variant.
Genome position (GRCh38, 1-based): chr3:52,407,974, T duplicated on the plus strand (A on the coding strand, the reverse complement: BAP1 is on the minus strand); the first of 2 consecutive T bases (chr3:52,407,974-52,407,975); duplicating either gives the same sequence. VCF-style (leftmost placement, unchanged base first): chr3-52407973-C-CT. GRCh37 (hg19) VCF-style: chr3-52441989-C-CT.
Other names: c.358dup, p.Ser123Glnfs (NM_001410772.1); c.359dupA (NM_004656.2); short protein forms S123fs.
Identifiers: ClinVar variation 1733048 (VCV001733048.2), dbSNP rs2471354396, ClinGen allele CA2580070293.

ClinVar aggregate classification (germline): Pathogenic (1 of 4 stars; one submission).

Conditions:
Hereditary cancer-predisposing syndrome. Also called: Neoplastic Syndromes, Hereditary; Tumor predisposition; Hereditary Cancer Syndrome; Hereditary neoplastic syndrome. Identifiers: Orphanet 140162, MedGen C0027672, MeSH D009386, MONDO:0015356.

Submission:

Ambry Genetics
Classification: Pathogenic for Hereditary cancer-predisposing syndrome. Last evaluated: 2021-09-27. Review status: criteria provided, single submitter. Criteria: Ambry Variant Classification Scheme 2023. Collection method: clinical testing. Allele origin: germline.
Comment: The c.359dupA pathogenic mutation, located in coding exon 5 of the BAP1 gene, results from a duplication of A at nucleotide position 359, causing a translational frameshift with a predicted alternate stop codon (p.S123Qfs*3). This variant is considered to be rare based on population cohorts in the Genome Aggregation Database (gnomAD). This alteration is expected to result in loss of function by premature protein truncation or nonsense-mediated mRNA decay. As such, this alteration is interpreted as a disease-causing mutation.